The following is an entry in ClinVar:

ClinVar aggregate classification (germline): Likely benign. Review status: criteria provided, multiple submitters, no conflicts (2 of 4 stars). 3 submissions from 3 submitters: Likely benign (3). Last evaluated 2025-12-16.

Conditions:
Methylmalonic acidemia with homocystinuria, type cblJ (MAHCJ). Also called: METHYLMALONIC ACIDURIA AND HOMOCYSTINURIA, cblJ TYPE. Identifiers: Orphanet 369955, MedGen C3553915, MONDO:0013925, OMIM 614857.
Inborn genetic diseases. Identifiers: MedGen C0950123, MeSH D030342.

Allele frequency attached by ClinVar (database versions not stated): gnomAD 0.00004 and 0.00008; gnomAD exomes 0.00010 and 0.00022; TOPMed 0.00012; ExAC 0.00021; 1000 Genomes Project 0.00060; 1000 Genomes Project 30x 0.00062.
gnomAD v4.1: 160 of 1,614,094 alleles (0.0099%); highest among the groups gnomAD compares: East Asian, 0.098%; 1 homozygote.

Submissions (3):

Labcorp Genetics (formerly Invitae), Labcorp
Classification: Likely benign for Methylmalonic acidemia with homocystinuria, type cblJ. Last evaluated: 2025-12-16. Review status: criteria provided, single submitter. Criteria: Invitae Variant Classification Sherloc (09022015). Collection method: clinical testing. Allele origin: germline.

Ambry Genetics
Classification: Likely benign for Inborn genetic diseases. Last evaluated: 2022-11-03. Review status: criteria provided, single submitter. Criteria: Ambry Variant Classification Scheme 2023. Collection method: clinical testing. Allele origin: germline.

Women's Health and Genetics/Laboratory Corporation of America, LabCorp
Classification: Likely benign. Last evaluated: 2022-03-02. Review status: criteria provided, single submitter. Criteria: LabCorp Variant Classification Summary - May 2015. Collection method: clinical testing. Allele origin: germline.
Comment: Variant summary: ABCD4 c.998C>T (p.Thr333Met) results in a non-conservative amino acid change in the encoded protein sequence. Four of five in-silico tools predict a damaging effect of the variant on protein function. The variant allele was found at a frequency of 0.00022 in 251214 control chromosomes (gnomAD), predominantly at a frequency of 0.0011 within the East Asian subpopulation in the gnomAD database with no homozygotes. The observed variant frequency within East Asian control individuals in the gnomAD database is approximately 3.11 fold of the estimated maximal expected allele frequency for a pathogenic variant in ABCD4 causing Methylmalonic Acidemia With Homocystinuria phenotype (0.00035), suggesting that the variant is a benign polymorphism found primarily in populations of East Asian origin. To our knowledge, no occurrence of c.998C>T in individuals affected with Methylmalonic Acidemia With Homocystinuria and no experimental evidence demonstrating its impact on protein function have been reported. One ClinVar submitter has assessed the variant since 2014: the variant was classified as likely benign. Based on the evidence outlined above, the variant was classified as likely benign.

NM_005050.4(ABCD4):c.998C>T (p.Thr333Met)

Gene: ABCD4 (ATP binding cassette subfamily D member 4; minus strand). Cytogenetic location: 14q24.3.
Variant type: single nucleotide variant.
Coding change: c.998C>T on transcript NM_005050.4 (MANE Select); coding-DNA position 998, C replaced by T.
Protein change: p.Thr333Met; replaces threonine 333 with methionine.
Molecular consequence: missense variant. On other transcripts: non-coding transcript variant (10).
Genome position (GRCh38, 1-based): chr14:74,292,581, G>A on the plus strand (C>T on the coding strand, the complement: ABCD4 is on the minus strand). VCF-style: chr14-74292581-G-A. GRCh37 (hg19) VCF-style: chr14-74759284-G-A.
Other names: c.872C>T, p.Thr291Met (NM_001353591.2, NM_001353592.2); c.737C>T, p.Thr246Met (NM_001353593.2); c.686C>T, p.Thr229Met (NM_001353594.2); c.584C>T, p.Thr195Met (NM_001353595.2, NM_001353596.2); c.533C>T, p.Thr178Met (NM_001353597.2); c.521C>T, p.Thr174Met (NM_001353598.2, NM_001353599.2, NM_001353600.2 and 2 more transcripts); c.209C>T, p.Thr70Met (NM_001353602.2, NM_001353603.2, NM_001353604.2 and 6 more transcripts); c.998C>T, p.Thr333Met (NM_020325.3); short protein forms T174M, T178M, T195M, T229M, T246M, T291M, T333M, T70M.
Identifiers: ClinVar variation 1087439 (VCV001087439.11), dbSNP rs181943870, ClinGen allele CA7266973.